The following is an entry in ClinVar:

ClinVar aggregate classification (germline): Conflicting classifications of pathogenicity. Review status: criteria provided, conflicting classifications (1 of 4 stars). 5 submissions from 5 submitters: Uncertain significance (3); Likely benign (1). 1 of the submissions does not count toward it. Last evaluated 2025-06-12.

Conditions:
Inborn genetic diseases. Identifiers: MedGen C0950123, MeSH D030342.
Joubert syndrome 16 (JBTS16). Identifiers: Orphanet 2318, MedGen C3280906, MONDO:0013764, OMIM 614465.

Allele frequency attached by ClinVar (database versions not stated): ExAC 0.00002; TOPMed 0.00004; ESP Exome Variant Server 0.00008.
gnomAD v4.1: 63 of 1,614,012 alleles (0.0039%); highest among the groups gnomAD compares: African/African-American, 0.032%; no homozygotes.

Submissions (5):

Labcorp Genetics (formerly Invitae), Labcorp
Classification: Uncertain significance for Joubert syndrome 16. Last evaluated: 2025-06-12. Review status: criteria provided, single submitter. Criteria: Invitae Variant Classification Sherloc (09022015). Collection method: clinical testing. Allele origin: germline.
Comment: This sequence change replaces valine, which is neutral and non-polar, with isoleucine, which is neutral and non-polar, at codon 139 of the TMEM138 protein (p.Val139Ile). This variant is present in population databases (rs141029883, gnomAD 0.006%). This variant has not been reported in the literature in individuals affected with TMEM138-related conditions. ClinVar contains an entry for this variant (Variation ID: 837999). An algorithm developed to predict the effect of missense changes on protein structure and function outputs the following: PolyPhen-2: "Benign". The isoleucine amino acid residue is found in multiple mammalian species, which suggests that this missense change does not adversely affect protein function. In summary, the available evidence is currently insufficient to determine the role of this variant in disease. Therefore, it has been classified as a Variant of Uncertain Significance.

Fulgent Genetics
Classification: Uncertain significance for Joubert syndrome 16. Last evaluated: 2024-05-15. Review status: criteria provided, single submitter. Criteria: ACMG Guidelines, 2015. Collection method: clinical testing. Allele origin: germline.

Ambry Genetics
Classification: Likely benign for Inborn genetic diseases. Last evaluated: 2022-09-14. Review status: criteria provided, single submitter. Criteria: Ambry Variant Classification Scheme 2023. Collection method: clinical testing. Allele origin: germline.

Breakthrough Genomics
Classification: Uncertain significance. Review status: criteria provided, single submitter. Criteria: ACMG Guidelines, 2015. Collection method: not provided. Allele origin: germline. Inheritance: Autosomal recessive inheritance. Affected: yes.

Department of Pathology and Laboratory Medicine, Sinai Health System
Classification: Likely benign. Review status: no assertion criteria provided. Collection method: clinical testing. Allele origin: unknown. Affected: yes. Study: The Canadian Open Genetics Repository (COGR). Not counted in ClinVar's aggregate classification.
Comment: The TMEM138 p.Val139Ile variant was not identified in the literature nor was it identified in ClinVar. The variant was identified in dbSNP (ID: rs141029883) and LOVD 3.0 (variant effect not shared). The variant was identified in control databases in 5 of 251314 chromosomes at a frequency of 0.0000199 (Genome Aggregation Database March 6, 2019, v2.1.1). The variant was observed in the following populations: Other in 1 of 6136 chromosomes (freq: 0.000163), African in 1 of 16248 chromosomes (freq: 0.000062), East Asian in 1 of 18394 chromosomes (freq: 0.000054), South Asian in 1 of 30612 chromosomes (freq: 0.000033) and European (non-Finnish) in 1 of 113724 chromosomes (freq: 0.000009), but was not observed in the Latino, Ashkenazi Jewish, or European (Finnish) populations. The p.Val139 residue is conserved in mammals but not in more distantly related organisms however computational analyses (PolyPhen-2, SIFT, AlignGVGD, BLOSUM, MutationTaster) do not suggest a high likelihood of impact to the protein; this information is not predictive enough to rule out pathogenicity. The variant occurs outside of the splicing consensus sequence and 2 of 4 in silico or computational prediction software programs (SpliceSiteFinder, MaxEntScan, NNSPLICE, GeneSplicer) predict a greater than 10% difference in splicing; this is not very predictive of pathogenicity. In summary, based on the above information the clinical significance of this variant cannot be determined with certainty at this time although we would lean towards a more benign role for this variant. This variant is classified as likely benign.

NM_016464.5(TMEM138):c.415G>A (p.Val139Ile)

Gene: TMEM138 (transmembrane protein 138; plus strand). Cytogenetic location: 11q12.2.
Variant type: single nucleotide variant.
Coding change: c.415G>A on transcript NM_016464.5 (MANE Select); coding-DNA position 415, G replaced by A.
Protein change: p.Val139Ile; replaces valine 139 with isoleucine.
Molecular consequence: missense variant. On other transcripts: non-coding transcript variant (1).
Genome position (GRCh38, 1-based): chr11:61,368,635, G>A. VCF-style: chr11-61368635-G-A. GRCh37 (hg19) VCF-style: chr11-61136107-G-A.
Other names: c.241G>A, p.Val81Ile (NM_001330281.2); short protein forms V139I, V81I.
Identifiers: ClinVar variation 837999 (VCV000837999.9), dbSNP rs141029883, ClinGen allele CA6034653.